The following is an entry in ClinVar:

NM_000441.2(SLC26A4):c.1244G>C (p.Ser415Thr)

Gene: SLC26A4 (solute carrier family 26 member 4; plus strand). Cytogenetic location: 7q22.3.
Variant type: single nucleotide variant.
Coding change: c.1244G>C on transcript NM_000441.2 (MANE Select); coding-DNA position 1244, G replaced by C.
Protein change: p.Ser415Thr; replaces serine 415 with threonine.
Molecular consequence: missense variant.
Genome position (GRCh38, 1-based): chr7:107,690,218, G>C. VCF-style: chr7-107690218-G-C. GRCh37 (hg19) VCF-style: chr7-107330663-G-C.
Other names: short protein forms S415T.
Identifiers: ClinVar variation 4853696 (VCV004853696.1).
Genomic context (GRCh38, chr7:107,690,218, plus strand): 5'-CAGGATTCTTCTCTTGTTTTGTGGCCACCACTGCTCTTTCCCGCACGGCCGTCCAGGAGA[G>C]CACTGGAGGAAAGACACAGGTAGGAACAACAGCCTTATGATATCCATCTCAGAGAACAAG-3'
Protein context (NP_000432.1, residues 405-425): TALSRTAVQE[Ser415Thr]TGGKTQVAGI

ClinVar aggregate classification (germline): Uncertain significance (1 of 4 stars; one submission).

Submission:

Women's Health and Genetics/Laboratory Corporation of America, LabCorp
Classification: Uncertain significance. Last evaluated: 2026-05-22. Review status: criteria provided, single submitter. Criteria: LabCorp Variant Classification Summary - May 2015. Collection method: clinical testing. Allele origin: germline.
Comment: Variant summary: SLC26A4 c.1244G>C (p.Ser415Thr) results in a conservative amino acid change in the encoded protein sequence. Algorithms developed to predict the effect of missense changes on protein structure and function are either unavailable or do not agree on the potential impact of this missense change. The variant was absent in 250806 control chromosomes. The available data on variant occurrences in the general population are insufficient to allow any conclusion about variant significance. To our knowledge, no occurrence of c.1244G>C in individuals affected with SLC26A4-related conditions and no experimental evidence demonstrating its impact on protein function have been reported. No submitters have cited clinical-significance assessments for this variant to ClinVar. Based on the evidence outlined above, the variant was classified as uncertain significance.